The following is an entry in ClinVar:

NM_001382280.1(LRRC53):c.1459C>A (p.Pro487Thr)

Genes: FPGT-TNNI3K (FPGT-TNNI3K readthrough; plus strand), LRRC53 (leucine rich repeat containing 53; minus strand), TNNI3K (TNNI3 interacting kinase; plus strand). Cytogenetic location: 1p31.1.
Variant type: single nucleotide variant.
Coding change: c.1459C>A on transcript NM_001382280.1 (MANE Select); coding-DNA position 1459, C replaced by A.
Protein change: p.Pro487Thr; replaces proline 487 with threonine.
Molecular consequence: missense variant. On other transcripts: intron variant (2).
Genome position (GRCh38, 1-based): chr1:74,472,163, G>T on the plus strand (C>A on the coding strand, the complement: LRRC53 is on the minus strand). VCF-style: chr1-74472163-G-T. GRCh37 (hg19) VCF-style: chr1-74937847-G-T.
Other names: c.1363C>A, p.Pro455Thr (NM_001364666.2); c.2424+8613G>T (NM_001112808.3); c.2121+8613G>T (NM_015978.3); short protein forms P455T, P487T.
Identifiers: ClinVar variation 4083552 (VCV004083552.8).

ClinVar aggregate classification (germline): Likely benign (1 of 4 stars; one submission).

gnomAD v4.1: 3,986 of 717,018 alleles (0.56%); highest among the groups gnomAD compares: Non-Finnish European, 0.79%; 23 homozygotes.

Submission:

CeGaT Center for Human Genetics Tuebingen
Classification: Likely benign. Last evaluated: 2026-06-01. Review status: criteria provided, single submitter. Criteria: CeGaT Center For Human Genetics Tuebingen Variant Classification Criteria Version 2. Collection method: clinical testing. Allele origin: germline. Affected: yes. Observed: 4 variant alleles.
Comment: LRRC53: BP4, BS2